The following is an entry in ClinVar:

NM_001080466.2(BTBD17):c.738C>T (p.Ala246=)

Gene: BTBD17 (BTB domain containing 17; minus strand). Cytogenetic location: 17q25.1.
Variant type: single nucleotide variant.
Coding change: c.738C>T on transcript NM_001080466.2 (MANE Select); coding-DNA position 738, C replaced by T.
Protein change: p.Ala246=; no amino-acid change (alanine 246 retained).
Molecular consequence: synonymous variant.
Genome position (GRCh38, 1-based): chr17:74,357,356, G>A on the plus strand (C>T on the coding strand, the complement: BTBD17 is on the minus strand). VCF-style: chr17-74357356-G-A. GRCh37 (hg19) VCF-style: chr17-72353495-G-A.
Identifiers: ClinVar variation 4873018 (VCV004873018.2).

ClinVar aggregate classification (germline): Likely benign (1 of 4 stars; one submission).

Submission:

CeGaT Center for Human Genetics Tuebingen
Classification: Likely benign. Last evaluated: 2026-08-01. Review status: criteria provided, single submitter. Criteria: CeGaT Center For Human Genetics Tuebingen Variant Classification Criteria Version 2. Collection method: clinical testing. Allele origin: germline. Affected: yes. Observed: 3 variant alleles.
Comment: BTBD17: BP4, BP7